The following is an entry in ClinVar:

NM_004371.4(COPA):c.3565G>T (p.Gly1189Trp)

Gene: COPA (coat protein complex I subunit alpha; minus strand). Cytogenetic location: 1q23.2.
Variant type: single nucleotide variant.
Coding change: c.3565G>T on transcript NM_004371.4 (MANE Select); coding-DNA position 3565, G replaced by T.
Protein change: p.Gly1189Trp; replaces glycine 1189 with tryptophan.
Molecular consequence: missense variant.
Genome position (GRCh38, 1-based): chr1:160,290,542, C>A on the plus strand (G>T on the coding strand, the complement: COPA is on the minus strand). VCF-style: chr1-160290542-C-A. GRCh37 (hg19) VCF-style: chr1-160260332-C-A.
Other names: c.3592G>T, p.Gly1198Trp (NM_001098398.2); short protein forms G1189W, G1198W.
Identifiers: ClinVar variation 3638200 (VCV003638200.2).

ClinVar aggregate classification (germline): Uncertain significance (1 of 4 stars; one submission).

Conditions:
Autoimmune interstitial lung disease-arthritis syndrome. Also called: Autoinflammation and autoimmunity, systemic, with immune dysregulation. Identifiers: Orphanet 444092, MedGen C5975714, MONDO:0014629.

Submission:

Labcorp Genetics (formerly Invitae), Labcorp
Classification: Uncertain significance for Autoimmune interstitial lung disease-arthritis syndrome. Last evaluated: 2024-02-02. Review status: criteria provided, single submitter. Criteria: Invitae Variant Classification Sherloc (09022015). Collection method: clinical testing. Allele origin: germline.
Comment: This sequence change replaces glycine, which is neutral and non-polar, with tryptophan, which is neutral and slightly polar, at codon 1189 of the COPA protein (p.Gly1189Trp). This variant is not present in population databases (gnomAD no frequency). This variant has not been reported in the literature in individuals affected with COPA-related conditions. Advanced modeling of protein sequence and biophysical properties (such as structural, functional, and spatial information, amino acid conservation, physicochemical variation, residue mobility, and thermodynamic stability) performed at Invitae indicates that this missense variant is not expected to disrupt COPA protein function with a negative predictive value of 80%. In summary, the available evidence is currently insufficient to determine the role of this variant in disease. Therefore, it has been classified as a Variant of Uncertain Significance.